The following is an entry in ClinVar:

NM_006767.4(LZTR1):c.278A>G (p.Asn93Ser)

Gene: LZTR1 (leucine zipper like post translational regulator 1; plus strand). Cytogenetic location: 22q11.21.
Variant type: single nucleotide variant.
Coding change: c.278A>G on transcript NM_006767.4 (MANE Select); coding-DNA position 278, A replaced by G.
Protein change: p.Asn93Ser; replaces asparagine 93 with serine.
Molecular consequence: missense variant.
Genome position (GRCh38, 1-based): chr22:20,985,855, A>G. VCF-style: chr22-20985855-A-G. GRCh37 (hg19) VCF-style: chr22-21340144-A-G.
Other names: c.278A>G (NM_006767.3); short protein forms N93S.
Identifiers: ClinVar variation 2721135 (VCV002721135.4), dbSNP rs777971919, ClinGen allele CA410778817.
Genomic context (GRCh38, chr22:20,985,855, plus strand): 5'-AGAGTAGACCTGGCTAATGCCACCCTCTCTTCCGGCTGCCTTTCAGGAAGACCATGCTCA[A>G]TGACCTCCTGCGGTTCGATGTGAAAGACTGCTCCTGGTGCAGGTGGGTGGCCCCGTGCTC-3'
Protein context (NP_006758.2, residues 83-103): FGGDNGKTML[Asn93Ser]DLLRFDVKDC

ClinVar aggregate classification (germline): Uncertain significance. Review status: criteria provided, multiple submitters, no conflicts (2 of 4 stars). 2 submissions from 2 submitters: Uncertain significance (2). Last evaluated 2025-07-28.

Conditions:
Hereditary cancer-predisposing syndrome. Also called: Neoplastic Syndromes, Hereditary; Tumor predisposition; Hereditary neoplastic syndrome; Hereditary Cancer Syndrome. Identifiers: Orphanet 140162, MedGen C0027672, MeSH D009386, MONDO:0015356.
Cardiovascular phenotype. Identifiers: MedGen CN230736.

Allele frequency attached by ClinVar (database versions not stated): gnomAD exomes below 0.00001.
gnomAD v4.1: 3 of 1,614,156 alleles (0.00019%); highest among the groups gnomAD compares: East Asian, 0.0022%; no homozygotes.

Submissions (2):

Ambry Genetics
Classification: Uncertain significance for Cardiovascular phenotype; Hereditary cancer-predisposing syndrome. Last evaluated: 2025-07-28. Review status: criteria provided, single submitter. Criteria: Ambry Variant Classification Scheme 2023. Collection method: clinical testing. Allele origin: germline.
Comment: The p.N93S variant (also known as c.278A>G), located in coding exon 3 of the LZTR1 gene, results from an A to G substitution at nucleotide position 278. The asparagine at codon 93 is replaced by serine, an amino acid with highly similar properties. This amino acid position is conserved. In addition, this alteration is predicted to be tolerated by in silico analysis. Based on the available evidence, the clinical significance of this variant remains unclear.

Labcorp Genetics (formerly Invitae), Labcorp
Classification: Uncertain significance. Last evaluated: 2025-05-26. Review status: criteria provided, single submitter. Criteria: Invitae Variant Classification Sherloc (09022015). Collection method: clinical testing. Allele origin: germline.
Comment: This sequence change replaces asparagine, which is neutral and polar, with serine, which is neutral and polar, at codon 93 of the LZTR1 protein (p.Asn93Ser). This variant is not present in population databases (gnomAD no frequency). This variant has not been reported in the literature in individuals affected with LZTR1-related conditions. ClinVar contains an entry for this variant (Variation ID: 2721135). Invitae Evidence Modeling of protein sequence and biophysical properties (such as structural, functional, and spatial information, amino acid conservation, physicochemical variation, residue mobility, and thermodynamic stability) indicates that this missense variant is not expected to disrupt LZTR1 protein function with a negative predictive value of 80%. In summary, the available evidence is currently insufficient to determine the role of this variant in disease. Therefore, it has been classified as a Variant of Uncertain Significance.